The following is an entry in ClinVar:

ClinVar aggregate classification (germline): Uncertain significance (1 of 4 stars; one submission).

Conditions:
Hyper-IgM syndrome type 1. Also called: X-linked hyper-IgM syndrome; Immunodeficiency, X-linked, with hyper-IgM; CD40 Ligand Deficiency; Hyper-IgM Immunodeficiency Syndrome, Type 1. Identifiers: Orphanet 101088, MedGen C0398689, MONDO:0010626, OMIM 308230.

Allele frequency attached by ClinVar (database versions not stated): gnomAD exomes below 0.00001 and 0.00001.
gnomAD v4.1: 4 of 1,203,689 alleles (0.00033%); highest among the groups gnomAD compares: Non-Finnish European, 0.00034%; no homozygotes.

Submission:

Labcorp Genetics (formerly Invitae), Labcorp
Classification: Uncertain significance for Hyper-IgM syndrome type 1. Last evaluated: 2020-03-07. Review status: criteria provided, single submitter. Criteria: Invitae Variant Classification Sherloc (09022015). Collection method: clinical testing. Allele origin: germline.
Comment: This sequence change replaces glutamic acid with lysine at codon 3 of the CD40LG protein (p.Glu3Lys). The glutamic acid residue is highly conserved and there is a small physicochemical difference between glutamic acid and lysine. This variant is not present in population databases (ExAC no frequency). This variant has not been reported in the literature in individuals with CD40LG-related disease. Algorithms developed to predict the effect of missense changes on protein structure and function are either unavailable or do not agree on the potential impact of this missense change (SIFT: "Tolerated"; PolyPhen-2: "Possibly Damaging"; Align-GVGD: "Class C0"). In summary, the available evidence is currently insufficient to determine the role of this variant in disease. Therefore, it has been classified as a Variant of Uncertain Significance.

NM_000074.3(CD40LG):c.7G>A (p.Glu3Lys)

Gene: CD40LG (CD40 ligand; plus strand). Cytogenetic location: Xq26.3.
Variant type: single nucleotide variant.
Coding change: c.7G>A on transcript NM_000074.3 (MANE Select); coding-DNA position 7, G replaced by A.
Protein change: p.Glu3Lys; replaces glutamic acid 3 with lysine.
Molecular consequence: missense variant.
Genome position (GRCh38, 1-based): chrX:136,648,255, G>A. VCF-style: chrX-136648255-G-A. GRCh37 (hg19) VCF-style: chrX-135730414-G-A.
Other names: short protein forms E3K.
Identifiers: ClinVar variation 659718 (VCV000659718.9), dbSNP rs1350282799, ClinGen allele CA414751426.
Genomic context (GRCh38, chrX:136,648,255, plus strand): 5'-TGCTGCCTCTGCCACCTTCTCTGCCAGAAGATACCATTTCAACTTTAACACAGCATGATC[G>A]AAACATACAACCAAACTTCTCCCCGATCTGCGGCCACTGGACTGCCCATCAGCATGAAAA-3'
Protein context (NP_000065.1, residues 1-13): MI[Glu3Lys]TYNQTSPRSA